The following is an entry in ClinVar:

NM_000214.3(JAG1):c.2779G>A (p.Val927Ile)

Gene: JAG1 (jagged canonical Notch ligand 1; minus strand). Cytogenetic location: 20p12.2.
Variant type: single nucleotide variant.
Coding change: c.2779G>A on transcript NM_000214.3 (MANE Select); coding-DNA position 2779, G replaced by A.
Protein change: p.Val927Ile; replaces valine 927 with isoleucine.
Molecular consequence: missense variant.
Genome position (GRCh38, 1-based): chr20:10,641,597, C>T on the plus strand (G>A on the coding strand, the complement: JAG1 is on the minus strand). VCF-style: chr20-10641597-C-T. GRCh37 (hg19) VCF-style: chr20-10622245-C-T.
Other names: c.2779G>A, p.Val927Ile (LRG_1191t1); short protein forms V927I.
Identifiers: ClinVar variation 598271 (VCV000598271.14), dbSNP rs770415804, ClinGen allele CA9764395.

ClinVar aggregate classification (germline): Conflicting classifications of pathogenicity. Review status: criteria provided, conflicting classifications (1 of 4 stars). 5 submissions from 5 submitters: Uncertain significance (4); Benign (1). Last evaluated 2026-09-23.

Conditions:
Deafness, congenital heart defects, and posterior embryotoxon (DCHE). Identifiers: MedGen C1866053, MONDO:0060713, OMIM 617992.
Alagille syndrome due to a JAG1 point mutation. Also called: JAG1-Related Alagille Syndrome; Alagille Syndrome 1; HEPATIC DUCTULAR HYPOPLASIA, SYNDROMATIC. Identifiers: Orphanet 261619, Orphanet 52, MedGen C1956125, MONDO:0016862, OMIM 118450.
Charcot-Marie-Tooth disease, axonal, Type 2HH. Also called: CHARCOT-MARIE-TOOTH NEUROPATHY, TYPE 2HH. Identifiers: MedGen C5562003, MONDO:0030458, OMIM 619574.
Tetralogy of Fallot (TOF). Identifiers: Orphanet 3303, MedGen C0039685, MONDO:0008542, OMIM 187500, HP:0001636.
Cardiovascular phenotype. Identifiers: MedGen CN230736.
JAG1-related disorder. Also called: JAG1-related condition; JAG1-related disorders.

Allele frequency attached by ClinVar (database versions not stated): gnomAD 0.00001; ExAC 0.00002; TOPMed 0.00002; gnomAD exomes 0.00003.
gnomAD v4.1: 12 of 1,613,986 alleles (0.00074%); highest among the groups gnomAD compares: East Asian, 0.018%; no homozygotes.

Submissions (5):

PreventionGenetics, part of Exact Sciences
Classification: Uncertain significance for JAG1-related condition. Last evaluated: 2026-09-23. Review status: criteria provided, single submitter. Criteria: ACMG Guidelines, 2015. Collection method: clinical testing. Allele origin: germline.
Comment: The JAG1 c.2779G>A variant is predicted to result in the amino acid substitution p.Val927Ile. To our knowledge, this variant has not been reported in the literature. This variant is reported in 0.035% of alleles in individuals of East Asian descent in gnomAD, which may be too frequent to be a primary cause of disease. Although we suspect that this variant may be benign, at this time, the clinical significance of this variant is uncertain due to the absence of conclusive functional and genetic evidence.

Fulgent Genetics
Classification: Uncertain significance for Alagille syndrome due to a JAG1 point mutation; Tetralogy of Fallot; Deafness, congenital heart defects, and posterior embryotoxon; Charcot-Marie-Tooth disease, axonal, Type 2HH. Last evaluated: 2024-03-28. Review status: criteria provided, single submitter. Criteria: ACMG Guidelines, 2015. Collection method: clinical testing. Allele origin: germline.

Labcorp Genetics (formerly Invitae), Labcorp
Classification: Benign for Alagille syndrome due to a JAG1 point mutation. Last evaluated: 2023-09-27. Review status: criteria provided, single submitter. Criteria: Invitae Variant Classification Sherloc (09022015). Collection method: clinical testing. Allele origin: germline.

Ambry Genetics
Classification: Uncertain significance for Cardiovascular phenotype. Last evaluated: 2022-04-19. Review status: criteria provided, single submitter. Criteria: Ambry Variant Classification Scheme 2023. Collection method: clinical testing. Allele origin: germline.
Comment: The p.V927I variant (also known as c.2779G>A), located in coding exon 23 of the JAG1 gene, results from a G to A substitution at nucleotide position 2779. The valine at codon 927 is replaced by isoleucine, an amino acid with highly similar properties. This amino acid position is conserved. In addition, the in silico prediction for this alteration is inconclusive. Since supporting evidence is limited at this time, the clinical significance of this alteration remains unclear.

Eurofins Ntd Llc (ga)
Classification: Uncertain significance. Last evaluated: 2018-08-07. Review status: criteria provided, single submitter. Criteria: EGL ClinVar v180209 classification definitions. Collection method: clinical testing. Allele origin: germline. Observed: 1 variant allele, 1 heterozygote.